The following is an entry in ClinVar:

NM_033380.3(COL4A5):c.1482_1483del (p.Gln495fs)

Gene: COL4A5 (collagen type IV alpha 5 chain; plus strand). Cytogenetic location: Xq22.3.
Variant type: Deletion.
Coding change: c.1482_1483del on transcript NM_033380.3 (MANE Select); coding-DNA positions 1482 to 1483, 2 bases deleted (TC; older notation c.1482_1483delTC).
Protein change: p.Gln495fs; shifts the reading frame from glutamine 495.
Molecular consequence: frameshift variant.
Genome position (GRCh38, 1-based): chrX:108,595,567-108,595,568, TC deleted. VCF-style (leftmost placement, unchanged base first): chrX-108595566-GTC-G. GRCh37 (hg19) VCF-style: chrX-107838796-GTC-G.
Other names: c.1482_1483del, p.Gln495fs (NM_000495.5); short protein forms Q495fs.
Identifiers: ClinVar variation 1726604 (VCV001726604.2), dbSNP rs2524299345, ClinGen allele CA2580100158.

ClinVar aggregate classification (germline): Likely pathogenic (1 of 4 stars; one submission).

Conditions:
X-linked Alport syndrome (ATS1). Also called: NEPHROPATHY AND DEAFNESS, X-LINKED; COL4A5-Related Nephropathy. Identifiers: Orphanet 63, Orphanet 88917, MedGen C4746986, MONDO:0010520, OMIM 301050.

Submission:

Myriad Genetics, Inc.
Classification: Likely pathogenic for X-linked Alport syndrome. Last evaluated: 2021-12-27. Review status: criteria provided, single submitter. Criteria: Myriad Women's Health Autosomal Recessive and X-Linked Classification Criteria (2021). Collection method: clinical testing. Allele origin: unknown.
Comment: NM_000495.4(COL4A5):c.1482_1483delTC(Q495Tfs*49) is expected to be pathogenic in the context of X-linked Alport syndrome. This variant is predicted to lead to an abnormal or absent protein product due to the creation of a premature termination codon in COL4A5, a gene where loss-of-function variants are known to be pathogenic. Please note: this variant was assessed in the context of healthy population screening.